The following is an entry in ClinVar:

ClinVar aggregate classification (germline): Uncertain significance (1 of 4 stars; one submission).

Conditions:
Tuberous sclerosis syndrome (TSC). Also called: Tuberous Sclerosis Complex; Tuberous sclerosis. Identifiers: Orphanet 805, MedGen C0041341, MONDO:0001734.

Submission:

All of Us Research Program, National Institutes of Health
Classification: Uncertain significance for Tuberous sclerosis syndrome. Last evaluated: 2023-09-04. Review status: criteria provided, single submitter. Criteria: ACMG Guidelines, 2015. Collection method: clinical testing. Allele origin: germline. Inheritance: Autosomal dominant inheritance. Observed: 1 variant allele, 1 heterozygote.
Comment: This missense variant replaces valine with alanine at codon 1807 of the TSC2 protein. Computational prediction is inconclusive regarding the impact of this variant on protein structure and function (internally defined REVEL score threshold 0.5 < inconclusive < 0.7, PMID: 27666373). To our knowledge, functional studies have not been reported for this variant. This variant has not been reported in individuals affected with TSC2-related disorders in the literature. This variant has not been identified in the general population by the Genome Aggregation Database (gnomAD). The available evidence is insufficient to determine the role of this variant in disease conclusively. Therefore, this variant is classified as a Variant of Uncertain Significance.

This study involves interpretation of variants in research participants for the purpose of population health screening. Participant phenotype was not available at the time of variant classification. Additional details can be found in publication PMID: 35346344, PMCID: PMC8962531

NM_000548.5(TSC2):c.5420T>C (p.Val1807Ala)

Gene: TSC2 (TSC complex subunit 2; plus strand). Cytogenetic location: 16p13.3.
Variant type: single nucleotide variant.
Coding change: c.5420T>C on transcript NM_000548.5 (MANE Select); coding-DNA position 5420, T replaced by C.
Protein change: p.Val1807Ala; replaces valine 1807 with alanine.
Molecular consequence: missense variant. On other transcripts: non-coding transcript variant (5).
Genome position (GRCh38, 1-based): chr16:2,088,606, T>C. VCF-style: chr16-2088606-T-C. GRCh37 (hg19) VCF-style: chr16-2138607-T-C.
Other names: c.5201T>C, p.Val1734Ala (NM_001406676.1); c.5162T>C, p.Val1721Ala (NM_001406677.1); c.5108T>C, p.Val1703Ala (NM_001406678.1); c.5072T>C, p.Val1691Ala (NM_001406679.1); c.4820T>C, p.Val1607Ala (NM_001406680.1); c.4760T>C, p.Val1587Ala (NM_001406681.1); c.4751T>C, p.Val1584Ala (NM_001406682.1, NM_001406683.1); c.4748T>C, p.Val1583Ala (NM_001406684.1); and 27 more; short protein forms V1206A, V1292A, V1293A, V1315A, V1316A, V1336A, V1540A, V1541A.
Identifiers: ClinVar variation 3073336 (VCV003073336.1), dbSNP rs2544522065, ClinGen allele CA394316321.